The following is an entry in ClinVar:

NM_201384.3(PLEC):c.7834T>C (p.Ser2612Pro)

Gene: PLEC (plectin; minus strand). Cytogenetic location: 8q24.3.
Variant type: single nucleotide variant.
Coding change: c.7834T>C on transcript NM_201384.3 (MANE Select); coding-DNA position 7834, T replaced by C.
Protein change: p.Ser2612Pro; replaces serine 2612 with proline.
Molecular consequence: missense variant.
Genome position (GRCh38, 1-based): chr8:143,921,987, A>G on the plus strand (T>C on the coding strand, the complement: PLEC is on the minus strand). VCF-style: chr8-143921987-A-G. GRCh37 (hg19) VCF-style: chr8-144996155-A-G.
Other names: c.7915T>C, p.Ser2639Pro (NM_000445.5); c.4534T>C, p.Ser1512Pro (NM_001410941.1); c.7792T>C, p.Ser2598Pro (NM_201378.4); c.7768T>C, p.Ser2590Pro (NM_201379.3); c.8245T>C, p.Ser2749Pro (NM_201380.4); c.7738T>C, p.Ser2580Pro (NM_201381.3); c.7834T>C, p.Ser2612Pro (NM_201382.4); c.7846T>C, p.Ser2616Pro (NM_201383.3); short protein forms S1512P, S2580P, S2590P, S2598P, S2612P, S2616P, S2639P, S2749P.
Identifiers: ClinVar variation 3391374 (VCV003391374.1).
Genomic context (GRCh38, chr8:143,921,987, plus strand): 5'-CATCCCGGCCATTGGGCAGGGTCTTTGTGGCAGCCACCTGCGAGGCAGTGACCTCCTCTG[A>G]GTGCGCCAGCGCGGCCCGGTGCTGCTCCTCCAGGAGCTGCAGCTGCTCACGCAGCCTCTG-3'
Protein context (NP_958786.1, residues 2602-2622): EEQHRAALAH[Ser2612Pro]EEVTASQVAA

ClinVar aggregate classification (germline): Uncertain significance (1 of 4 stars; one submission).

Conditions:
Autosomal recessive limb-girdle muscular dystrophy type 2Q (LGMDR17). Also called: MUSCULAR DYSTROPHY, LIMB-GIRDLE, AUTOSOMAL RECESSIVE 17. Identifiers: Orphanet 254361, MedGen C3150989, MONDO:0013390, OMIM 613723.

gnomAD v4.1: 2 of 1,598,636 alleles (0.00013%); highest among the groups gnomAD compares: South Asian, 0.0022%; no homozygotes.

Submission:

Neuberg Centre For Genomic Medicine, NCGM
Classification: Uncertain significance for Autosomal recessive limb-girdle muscular dystrophy type 2Q. Review status: criteria provided, single submitter. Criteria: ACMG Guidelines, 2015. Collection method: clinical testing. Allele origin: germline. Inheritance: Autosomal recessive inheritance. Affected: yes.
Comment: The observed missense c.7834T>C p.Ser2612Pro variant in PLEC gene has not been reported previously as a pathogenic variant nor as a benign variant, to our knowledge. The p.Ser2612Pro variant is present with allele frequency of 0.0009% in gnomAD Exomes. This variant has not been submitted to the ClinVar database. Multiple lines of computational evidence Polyphen - Benign, SIFT - Tolerated and MutationTaster - Polymorphism predict no damaging effect on protein structure and function for this variant. The reference amino acid of p.Ser2612Pro in PLEC is predicted as conserved by GERP++ and PhyloP across 100 vertebrates. The amino acid Ser at position 2612 is changed to a Pro changing protein sequence and it might alter its composition and physico-chemical properties. For these reasons, this variant has been classified as a Variant of Uncertain Significance VUS.